The following is an entry in ClinVar:

ClinVar aggregate classification (germline): Uncertain significance (1 of 4 stars; one submission).

Conditions:
Hereditary cancer-predisposing syndrome. Also called: Neoplastic Syndromes, Hereditary; Tumor predisposition; Hereditary neoplastic syndrome; Hereditary Cancer Syndrome. Identifiers: Orphanet 140162, MedGen C0027672, MeSH D009386, MONDO:0015356.

Submission:

Ambry Genetics
Classification: Uncertain significance for Hereditary cancer-predisposing syndrome. Last evaluated: 2026-08-22. Review status: criteria provided, single submitter. Criteria: Ambry Variant Classification Scheme 2023. Collection method: clinical testing. Allele origin: germline.
Comment: The p.Q112R variant (also known as c.335A>G), located in coding exon 3 of the TSC2 gene, results from an A to G substitution at nucleotide position 335. The glutamine at codon 112 is replaced by arginine, an amino acid with highly similar properties. This amino acid position is conserved. In addition, this alteration is predicted to be deleterious by in silico analysis. Based on the available evidence, the clinical significance of this variant remains unclear.

NM_000548.5(TSC2):c.335A>G (p.Gln112Arg)

Gene: TSC2 (TSC complex subunit 2; plus strand). Cytogenetic location: 16p13.3.
Variant type: single nucleotide variant.
Coding change: c.335A>G on transcript NM_000548.5 (MANE Select); coding-DNA position 335, A replaced by G.
Protein change: p.Gln112Arg; replaces glutamine 112 with arginine.
Molecular consequence: missense variant. On other transcripts: 5 prime UTR variant (14), non-coding transcript variant (5), intron variant (9).
Genome position (GRCh38, 1-based): chr16:2,053,451, A>G. VCF-style: chr16-2053451-A-G. GRCh37 (hg19) VCF-style: chr16-2103452-A-G.
Other names: c.335A>G, p.Gln112Arg (NM_001077183.3, NM_001114382.3, NM_001363528.2 and 10 more transcripts); c.188A>G, p.Gln63Arg (NM_001318829.2, NM_001406675.1, NM_001406676.1 and 2 more transcripts); c.368A>G, p.Gln123Arg (NM_001318832.2); c.-482A>G (NM_001406680.1, NM_001406683.1, NM_001406687.1); c.-111A>G (NM_001406681.1); c.-1097A>G (NM_001406689.1, NM_001406690.1, NM_001406691.1 and 2 more transcripts); c.-1403A>G (NM_001406693.1); c.-978A>G (NM_001406694.1, NM_001406695.1); and 4 more; short protein forms Q123R, Q112R, Q63R.
Identifiers: ClinVar variation 5031391 (VCV005031391.1).